The following is an entry in ClinVar:

NM_022370.4(ROBO3):c.91T>C (p.Leu31=)

Gene: ROBO3 (roundabout guidance receptor 3; plus strand). Cytogenetic location: 11q24.2.
Variant type: single nucleotide variant.
Coding change: c.91T>C on transcript NM_022370.4 (MANE Select); coding-DNA position 91, T replaced by C.
Protein change: p.Leu31=; no amino-acid change (leucine 31 retained).
Molecular consequence: synonymous variant.
Genome position (GRCh38, 1-based): chr11:124,865,668, T>C. VCF-style: chr11-124865668-T-C. GRCh37 (hg19) VCF-style: chr11-124735564-T-C.
Identifiers: ClinVar variation 3044846 (VCV003044846.2), dbSNP rs2497263339, ClinGen allele CA477448512.

ClinVar aggregate classification (germline): Likely benign (0 of 4 stars; one submission).

Conditions:
ROBO3-related disorder. Also called: ROBO3-related condition.

Submission:

PreventionGenetics, part of Exact Sciences
Classification: Likely benign for ROBO3-related condition. Last evaluated: 2023-12-29. Review status: no assertion criteria provided. Collection method: clinical testing. Allele origin: germline.
Comment: This variant is classified as likely benign based on ACMG/AMP sequence variant interpretation guidelines (Richards et al. 2015 PMID: 25741868, with internal and published modifications).